The following is an entry in ClinVar:

NM_000287.4(PEX6):c.1479+1G>A

Gene: PEX6 (peroxisomal biogenesis factor 6; minus strand). Cytogenetic location: 6p21.1.
Variant type: single nucleotide variant.
Coding change: c.1479+1G>A on transcript NM_000287.4 (MANE Select); the canonical splice donor site of the intron after coding-DNA position 1479, G replaced by A.
Molecular consequence: splice donor variant.
Genome position (GRCh38, 1-based): chr6:42,968,873, C>T on the plus strand (G>A on the coding strand, the complement: PEX6 is on the minus strand). VCF-style: chr6-42968873-C-T. GRCh37 (hg19) VCF-style: chr6-42936611-C-T.
Other names: c.1215+1G>A (NM_001316313.2).
Identifiers: ClinVar variation 2005726 (VCV002005726.4), dbSNP rs2481228543, ClinGen allele CA364155130.

ClinVar aggregate classification (germline): Likely pathogenic (1 of 4 stars; one submission).

Conditions:
Peroxisome biogenesis disorder. Identifiers: Orphanet 79189, MedGen C1832200, MONDO:0019234. Disease mechanism: loss of function.

gnomAD v4.1: 1 of 1,609,178 alleles (0.000062%); no homozygotes.

Submission:

Labcorp Genetics (formerly Invitae), Labcorp
Classification: Likely pathogenic for Peroxisome biogenesis disorder. Last evaluated: 2024-04-10. Review status: criteria provided, single submitter. Criteria: Invitae Variant Classification Sherloc (09022015). Collection method: clinical testing. Allele origin: germline.
Comment: This sequence change affects a donor splice site in intron 6 of the PEX6 gene. It is expected to disrupt RNA splicing. Variants that disrupt the donor or acceptor splice site typically lead to a loss of protein function (PMID: 16199547), and loss-of-function variants in PEX6 are known to be pathogenic (PMID: 10408779, 21031596, 31831025). This variant is not present in population databases (gnomAD no frequency). This variant has not been reported in the literature in individuals affected with PEX6-related conditions. ClinVar contains an entry for this variant (Variation ID: 2005726). Algorithms developed to predict the effect of sequence changes on RNA splicing suggest that this variant may disrupt the consensus splice site. In summary, the currently available evidence indicates that the variant is pathogenic, but additional data are needed to prove that conclusively. Therefore, this variant has been classified as Likely Pathogenic.

Literature cited by the submitters: PubMed 16199547; PubMed 10408779; PubMed 21031596; PubMed 31831025.